The following is an entry in ClinVar:

ClinVar aggregate classification (germline): Benign/Likely benign. Review status: criteria provided, multiple submitters, no conflicts (2 of 4 stars). 14 submissions from 13 submitters: Benign (11); Likely benign (3). Last evaluated 2026-08-01.

Conditions:
Maturity-onset diabetes of the young (MODY). Also called: Maturity onset diabetes mellitus in young. Identifiers: Orphanet 552, MedGen C0342276, MONDO:0018911, HP:0004904.
Nonpapillary renal cell carcinoma. Identifiers: Orphanet 422526, MedGen CN074294, MONDO:0007763, OMIM 144700.
Maturity-onset diabetes of the young type 3. Also called: MODY, type III; MODY type 3. Identifiers: Orphanet 552, MedGen C1838100, MeSH C563933, MONDO:0010894, OMIM 600496. Disease mechanism: loss of function.

Allele frequency attached by ClinVar (database versions not stated): ExAC 0.00102; gnomAD 0.00255 and 0.00269; TOPMed 0.00262; 1000 Genomes Project 0.00339; 1000 Genomes Project 30x 0.00359; ESP Exome Variant Server 0.00385; gnomAD exomes 0.00026 and 0.00070.
gnomAD v4.1: 788 of 1,612,340 alleles (0.049%); highest among the groups gnomAD compares: African/African-American, 0.8%; 3 homozygotes.

Submissions (14):

CeGaT Center for Human Genetics Tuebingen
Classification: Likely benign. Last evaluated: 2026-08-01. Review status: criteria provided, single submitter. Criteria: CeGaT Center For Human Genetics Tuebingen Variant Classification Criteria Version 2. Collection method: clinical testing. Allele origin: germline. Affected: yes. Observed: 5 variant alleles.
Comment: HNF1A: BP4, BP7

Labcorp Genetics (formerly Invitae), Labcorp
Classification: Benign. Last evaluated: 2026-02-03. Review status: criteria provided, single submitter. Criteria: Invitae Variant Classification Sherloc (09022015). Collection method: clinical testing. Allele origin: germline.

ARUP Laboratories, Molecular Genetics and Genomics, ARUP Laboratories
Classification: Benign. Last evaluated: 2025-04-08. Review status: criteria provided, single submitter. Criteria: ARUP Molecular Germline Variant Investigation Process 2024. Collection method: clinical testing. Allele origin: germline.

KCCC/NGS Laboratory, Kuwait Cancer Control Center
Classification: Benign for Maturity-onset diabetes of the young type 3. Last evaluated: 2025-02-01. Review status: criteria provided, single submitter. Criteria: ACMG Guidelines, 2015. Collection method: clinical testing. Allele origin: germline. Affected: no.

Women's Health and Genetics/Laboratory Corporation of America, LabCorp
Classification: Benign. Last evaluated: 2024-12-06. Review status: criteria provided, single submitter. Criteria: LabCorp Variant Classification Summary - May 2015. Collection method: clinical testing. Allele origin: germline.

Blueprint Genetics
Classification: Likely benign. Last evaluated: 2024-10-03. Review status: criteria provided, single submitter. Criteria: ACMG Guidelines, 2015. Collection method: clinical testing. Allele origin: germline.

KCCC/NGS Laboratory, Kuwait Cancer Control Center
Classification: Benign for Nonpapillary renal cell carcinoma. Last evaluated: 2023-07-07. Review status: criteria provided, single submitter. Criteria: ACMG Guidelines, 2015. Collection method: clinical testing. Allele origin: germline. Affected: yes.

Ambry Genetics
Classification: Likely benign for Maturity-onset diabetes of the young. Last evaluated: 2022-03-30. Review status: criteria provided, single submitter. Criteria: Ambry Variant Classification Scheme 2023. Collection method: clinical testing. Allele origin: germline.

Athena Diagnostics
Classification: Benign. Last evaluated: 2018-09-25. Review status: criteria provided, single submitter. Criteria: Athena Diagnostics Criteria. Collection method: clinical testing. Allele origin: germline.

GeneDx
Classification: Benign. Last evaluated: 2018-03-12. Review status: criteria provided, single submitter. Criteria: GeneDx Variant Classification (06012015). Collection method: clinical testing. Allele origin: germline. Affected: yes.
Comment: This variant is considered likely benign or benign based on one or more of the following criteria: it is a conservative change, it occurs at a poorly conserved position in the protein, it is predicted to be benign by multiple in silico algorithms, and/or has population frequency not consistent with disease.

Illumina Laboratory Services, Illumina
Classification: Benign for Maturity-onset diabetes of the young type 3. Last evaluated: 2018-01-13. Review status: criteria provided, single submitter. Criteria: ICSL Variant Classification Criteria 13 December 2019. Collection method: clinical testing. Allele origin: germline.
Comment: This variant was observed in the ICSL laboratory as part of a predisposition screen in an ostensibly healthy population. It had not been previously curated by ICSL or reported in the Human Gene Mutation Database (HGMD: prior to June 1st, 2018), and was therefore a candidate for classification through an automated scoring system. Utilizing variant allele frequency, disease prevalence and penetrance estimates, and inheritance mode, an automated score was calculated to assess if this variant is too frequent to cause the disease. Based on the score and internal cut-off values, a variant classified as benign is not then subjected to further curation. The score for this variant resulted in a classification of benign for this disease.

Genetic Services Laboratory, University of Chicago
Classification: Benign for AllHighlyPenetrant. Last evaluated: 2013-03-05. Review status: criteria provided, single submitter. Criteria: ACMG Guidelines, 2007. Collection method: clinical testing. Allele origin: germline. Inheritance: Autosomal dominant inheritance.

Breakthrough Genomics
Classification: Benign. Review status: criteria provided, single submitter. Criteria: ACMG Guidelines, 2015. Collection method: not provided. Allele origin: germline. Inheritance: Autosomal dominant inheritance. Affected: yes.

Clinical Genomics, Uppaluri K&H Personalized Medicine Clinic
Classification: Benign for Maturity-onset diabetes of the young. Review status: criteria provided, single submitter. Criteria: K & H Uppaluri Personalized Medicine Clinic Variant Classification & Assertion Criteria_Updated V.1. Collection method: research. Allele origin: unknown. Inheritance: Autosomal dominant inheritance.
Comment: Mutations in HNF1A gene can predispose to MODY3. It is associated with both micro and macrovascular complications of diabetes, especially cardiovascular complications. Associated with glucosuria. May respond well to sulfonylureas. However, more evidence is required to confer the association of this particular variant rs34056805 with MODY3.

Literature cited by the submitters: PubMed 31517624 (cited by Clinical Genomics, Uppaluri K&H Personalized Medicine Clinic); PubMed 32395877 (cited by Clinical Genomics, Uppaluri K&H Personalized Medicine Clinic); PubMed 35328643 (cited by Clinical Genomics, Uppaluri K&H Personalized Medicine Clinic).

NM_000545.8(HNF1A):c.276C>T (p.Leu92=)

Gene: HNF1A (HNF1 homeobox A; plus strand). Cytogenetic location: 12q24.31.
Variant type: single nucleotide variant.
Coding change: c.276C>T on transcript NM_000545.8 (MANE Select); coding-DNA position 276, C replaced by T.
Protein change: p.Leu92=; no amino-acid change (leucine 92 retained).
Molecular consequence: synonymous variant.
Genome position (GRCh38, 1-based): chr12:120,979,044, C>T. VCF-style: chr12-120979044-C-T. GRCh37 (hg19) VCF-style: chr12-121416847-C-T.
Other names: c.276C>T (NM_000545.6); c.276C>T, p.Leu92= (NM_001306179.2).
Identifiers: ClinVar variation 129227 (VCV000129227.58), dbSNP rs34056805, ClinGen allele CA153081.
Genomic context (GRCh38, chr12:120,979,044, plus strand): 5'-CGAGACGGACGACGATGGGGAAGACTTCACGCCACCCATCCTCAAAGAGCTGGAGAACCT[C>T]AGCCCTGAGGAGGCGGCCCACCAGAAAGCCGTGGTGGAGACCCTTCTGCAGTAAGGAGCC-3'
Protein context (NP_000536.6, residues 82-102): TPPILKELEN[Leu92=]SPEEAAHQKA